The following is an entry in ClinVar:

ClinVar aggregate classification (germline): Uncertain significance (1 of 4 stars; one submission).

Conditions:
Inborn genetic diseases. Identifiers: MedGen C0950123, MeSH D030342.

Submission:

Ambry Genetics
Classification: Uncertain significance for Inborn genetic diseases. Last evaluated: 2025-08-09. Review status: criteria provided, single submitter. Criteria: Ambry Variant Classification Scheme 2023. Collection method: clinical testing. Allele origin: germline.
Comment: The p.D881H variant (also known as c.2641G>C), located in coding exon 14 of the FANCM gene, results from a G to C substitution at nucleotide position 2641. The aspartic acid at codon 881 is replaced by histidine, an amino acid with similar properties. This amino acid position is conserved. In addition, this alteration is predicted to be tolerated by in silico analysis. Based on the available evidence, the clinical significance of this variant remains unclear.

NM_020937.4(FANCM):c.2641G>C (p.Asp881His)

Gene: FANCM (FA complementation group M; plus strand). Cytogenetic location: 14q21.2.
Variant type: single nucleotide variant.
Coding change: c.2641G>C on transcript NM_020937.4 (MANE Select); coding-DNA position 2641, G replaced by C.
Protein change: p.Asp881His; replaces aspartic acid 881 with histidine.
Molecular consequence: missense variant.
Genome position (GRCh38, 1-based): chr14:45,175,395, G>C. VCF-style: chr14-45175395-G-C. GRCh37 (hg19) VCF-style: chr14-45644598-G-C.
Other names: c.2563G>C, p.Asp855His (NM_001308133.2); short protein forms D855H, D881H.
Identifiers: ClinVar variation 4254663 (VCV004254663.1).
Genomic context (GRCh38, chr14:45,175,395, plus strand): 5'-ATAAAAAAAGATCAGCTTAAAAAAGAAAATAATCACGGTATTATAGATTCTGTAGATAAT[G>C]ACAGAAATTCCACTGTTGAAAATATTTTTCAAGAAGACCTACCAAATGATAAAAGGACAT-3'
Protein context (NP_065988.1, residues 871-891): NHGIIDSVDN[Asp881His]RNSTVENIFQ